The following is an entry in ClinVar:

NM_007118.4(TRIO):c.9106G>A (p.Ala3036Thr)

Gene: TRIO (trio Rho guanine nucleotide exchange factor; plus strand). Cytogenetic location: 5p15.2.
Variant type: single nucleotide variant.
Coding change: c.9106G>A on transcript NM_007118.4 (MANE Select); coding-DNA position 9106, G replaced by A.
Protein change: p.Ala3036Thr; replaces alanine 3036 with threonine.
Molecular consequence: missense variant. On other transcripts: non-coding transcript variant (1).
Genome position (GRCh38, 1-based): chr5:14,508,234, G>A. VCF-style: chr5-14508234-G-A. GRCh37 (hg19) VCF-style: chr5-14508343-G-A.
Other names: short protein forms A3036T.
Identifiers: ClinVar variation 1315550 (VCV001315550.3), dbSNP rs1283674675, ClinGen allele CA359241404.
Genomic context (GRCh38, chr5:14,508,234, plus strand): 5'-TTTAAAGGAGTGAGCCAGAAGGCCAAGGAGTTCGTGTGCTTCCTCCTGCAGGAGGACCCC[G>A]CCAAGCGTCCCTCGGCTGCGCTGGCCCTCCAGGAGCAGTGGCTGCAGGCCGGCAACGGCA-3'
Protein context (NP_009049.2, residues 3026-3046): FVCFLLQEDP[Ala3036Thr]KRPSAALALQ

ClinVar aggregate classification (germline): Uncertain significance. Review status: criteria provided, multiple submitters, no conflicts (2 of 4 stars). 2 submissions from 2 submitters: Uncertain significance (2). Last evaluated 2025-09-27.

Conditions:
Inborn genetic diseases. Identifiers: MedGen C0950123, MeSH D030342.

Allele frequency attached by ClinVar (database versions not stated): gnomAD 0.00001; TOPMed 0.00002.

Submissions (2):

Ambry Genetics
Classification: Uncertain significance for Inborn genetic diseases. Last evaluated: 2025-09-27. Review status: criteria provided, single submitter. Criteria: Ambry Variant Classification Scheme 2023. Collection method: clinical testing. Allele origin: germline.

GeneDx
Classification: Uncertain significance. Last evaluated: 2021-10-25. Review status: criteria provided, single submitter. Criteria: GeneDx Variant Classification Process June 2021. Collection method: clinical testing. Allele origin: germline. Affected: yes.
Comment: Not observed in large population cohorts (Lek et al., 2016); In silico analysis supports that this missense variant does not alter protein structure/function; Has not been previously published as pathogenic or benign to our knowledge